The following is an entry in ClinVar:

NM_004380.3(CREBBP):c.7243C>G (p.Pro2415Ala)

Gene: CREBBP (CREB binding lysine acetyltransferase; minus strand). Cytogenetic location: 16p13.3.
Variant type: single nucleotide variant.
Coding change: c.7243C>G on transcript NM_004380.3 (MANE Select); coding-DNA position 7243, C replaced by G.
Protein change: p.Pro2415Ala; replaces proline 2415 with alanine.
Molecular consequence: missense variant.
Genome position (GRCh38, 1-based): chr16:3,727,804, G>C on the plus strand (C>G on the coding strand, the complement: CREBBP is on the minus strand). VCF-style: chr16-3727804-G-C. GRCh37 (hg19) VCF-style: chr16-3777805-G-C.
Other names: c.7129C>G, p.Pro2377Ala (NM_001079846.1); short protein forms P2415A, P2377A.
Identifiers: ClinVar variation 4982283 (VCV004982283.1).
Genomic context (GRCh38, chr16:3,727,804, plus strand): 5'-GCGTGTCCCCCGTGGTGTCCCCGACCAGGGACAGTTCGCTGGACAGCGCACTCCTGCTGG[G>C]GGTGTTCAGCTGGGGGAGCATTGCACTCTGTTCGGGGTTCCCCAAGTGTCCCTGATCTAT-3'
Protein context (NP_004371.2, residues 2405-2425): QSAMLPQLNT[Pro2415Ala]SRSALSSELS

ClinVar aggregate classification (germline): Uncertain significance (1 of 4 stars; one submission).

Conditions:
CREBBP-related disorder. Also called: CREBBP-related condition; CREBBP-related disorders.

Submission:

PreventionGenetics, part of Exact Sciences
Classification: Uncertain significance for CREBBP-related condition. Last evaluated: 2026-04-08. Review status: criteria provided, single submitter. Criteria: ACMG Guidelines, 2015. Collection method: clinical testing. Allele origin: germline.
Comment: The CREBBP c.7243C>G variant is predicted to result in the amino acid substitution p.Pro2415Ala. To our knowledge, this variant has not been reported in the literature or in a large population database (gnomAD), indicating this variant is rare. At this time, the clinical significance of this variant is uncertain due to the absence of conclusive functional and genetic evidence.